The following is an entry in ClinVar:

NM_058216.3(RAD51C):c.519dup (p.Thr174fs)

Gene: RAD51C (RAD51 paralog C; plus strand). Cytogenetic location: 17q22.
Variant type: Duplication.
Coding change: c.519dup on transcript NM_058216.3 (MANE Select); coding-DNA position 519, one base duplicated (T; older notation c.519dupT).
Protein change: p.Thr174fs; shifts the reading frame from threonine 174.
Molecular consequence: frameshift variant.
Genome position (GRCh38, 1-based): chr17:58,696,807, T duplicated. VCF-style (leftmost placement, unchanged base first): chr17-58696806-C-CT. GRCh37 (hg19) VCF-style: chr17-56774167-C-CT.
Other names: short protein forms T174fs.
Identifiers: ClinVar variation 825532 (VCV000825532.13), dbSNP rs1598460710, ClinGen allele CA915950636.

ClinVar aggregate classification (germline): Pathogenic/Likely pathogenic. Review status: criteria provided, multiple submitters, no conflicts (2 of 4 stars). 4 submissions from 4 submitters: Pathogenic (3); Likely pathogenic (1). Last evaluated 2025-11-25.

Conditions:
Hereditary cancer-predisposing syndrome. Also called: Neoplastic Syndromes, Hereditary; Hereditary Cancer Syndrome; Hereditary neoplastic syndrome; Tumor predisposition. Identifiers: Orphanet 140162, MedGen C0027672, MeSH D009386, MONDO:0015356.
Breast-ovarian cancer, familial, susceptibility to, 3. Also called: RAD51C-Related Breast/Ovarian Cancer. Identifiers: Orphanet 145, MedGen C3150659, MONDO:0013253, OMIM 613399.
Fanconi anemia complementation group O. Also called: RAD51C-Related Fanconi Anemia. Identifiers: Orphanet 84, MedGen C3150653, MONDO:0013248, OMIM 613390.

Submissions (4):

Labcorp Genetics (formerly Invitae), Labcorp
Classification: Pathogenic for Fanconi anemia complementation group O. Last evaluated: 2025-11-25. Review status: criteria provided, single submitter. Criteria: Invitae Variant Classification Sherloc (09022015). Collection method: clinical testing. Allele origin: germline.
Comment: This sequence change creates a premature translational stop signal (p.Thr174Tyrfs*29) in the RAD51C gene. It is expected to result in an absent or disrupted protein product. Loss-of-function variants in RAD51C are known to be pathogenic (PMID: 20400964, 21990120, 24800917, 29278735). This variant is not present in population databases (gnomAD no frequency). This variant has not been reported in the literature in individuals affected with RAD51C-related conditions. ClinVar contains an entry for this variant (Variation ID: 825532). RNA analysis performed to evaluate the impact of this premature translational stop signal on mRNA splicing indicates it does not significantly alter splicing (internal data). For these reasons, this variant has been classified as Pathogenic.

Baylor Genetics
Classification: Likely pathogenic for Breast-ovarian cancer, familial, susceptibility to, 3. Last evaluated: 2024-02-29. Review status: criteria provided, single submitter. Criteria: ACMG Guidelines, 2015. Collection method: clinical testing. Allele origin: unknown.

Myriad Genetics, Inc.
Classification: Pathogenic for Breast-ovarian cancer, familial, susceptibility to, 3. Last evaluated: 2024-01-02. Review status: criteria provided, single submitter. Criteria: Myriad Autosomal Dominant, Autosomal Recessive and X-Linked Classification Criteria (2023). Collection method: clinical testing. Allele origin: unknown.
Comment: This variant is considered pathogenic. This variant creates a frameshift predicted to result in premature protein truncation.

Ambry Genetics
Classification: Pathogenic for Hereditary cancer-predisposing syndrome. Last evaluated: 2019-06-14. Review status: criteria provided, single submitter. Criteria: Ambry Variant Classification Scheme 2023. Collection method: clinical testing. Allele origin: germline.
Comment: The c.519dupT pathogenic mutation, located in coding exon 3 of the RAD51C gene, results from a duplication of T at nucleotide position 519, causing a translational frameshift with a predicted alternate stop codon (p.T174Yfs*29). This alteration is expected to result in loss of function by premature protein truncation or nonsense-mediated mRNA decay. As such, this alteration is interpreted as a disease-causing mutation.

Literature cited by the submitters: PubMed 20400964 (cited by Labcorp Genetics (formerly Invitae), Labcorp); PubMed 21990120 (cited by Labcorp Genetics (formerly Invitae), Labcorp); PubMed 24800917 (cited by Labcorp Genetics (formerly Invitae), Labcorp); PubMed 29278735 (cited by Labcorp Genetics (formerly Invitae), Labcorp).